The following is an entry in ClinVar:

NM_007294.4(BRCA1):c.5154G>C (p.Trp1718Cys)

Gene: BRCA1 (BRCA1 DNA repair associated; minus strand). Cytogenetic location: 17q21.31.
Variant type: single nucleotide variant.
Coding change: c.5154G>C on transcript NM_007294.4 (MANE Select); coding-DNA position 5154, G replaced by C.
Protein change: p.Trp1718Cys; replaces tryptophan 1718 with cysteine.
Molecular consequence: missense variant. On other transcripts: synonymous variant (2), non-coding transcript variant (1).
Genome position (GRCh38, 1-based): chr17:43,063,372, C>G on the plus strand (G>C on the coding strand, the complement: BRCA1 is on the minus strand). VCF-style: chr17-43063372-C-G. GRCh37 (hg19) VCF-style: chr17-41215389-C-G.
Other names: c.4953G>C, p.Trp1651Cys (NM_001407862.1); c.4950G>C, p.Gly1650= (NM_001407863.1); c.4947G>C, p.Trp1649Cys (NM_001407874.1, NM_001407875.1); c.4944G>C, p.Trp1648Cys (NM_001407879.1, NM_001407881.1, NM_001407882.1 and 5 more transcripts); c.4941G>C, p.Trp1647Cys (NM_001407900.1, NM_001407902.1, NM_001407904.1 and 12 more transcripts); c.4938G>C, p.Trp1646Cys (NM_001407915.1, NM_001407916.1, NM_001407917.1 and 1 more transcripts); c.4890G>C, p.Trp1630Cys (NM_001407926.1, NM_001407920.1, NM_001407921.1 and 4 more transcripts); c.4887G>C, p.Trp1629Cys (NM_001407927.1, NM_001407928.1, NM_001407929.1 and 4 more transcripts); and 73 more; short protein forms W1718C, W1739C, W614C, W1671C, W1422C, W1549C, W1564C, W1605C.
Identifiers: ClinVar variation 865068 (VCV000865068.4), dbSNP rs80357239, ClinGen allele CA10591234.

ClinVar aggregate classification (germline): Pathogenic (1 of 4 stars; one submission).

Conditions:
Breast-ovarian cancer, familial, susceptibility to, 1 (BROVCA1). Also called: BRCA1 Hereditary Breast and Ovarian Cancer; OVARIAN CANCER, SUSCEPTIBILITY TO. Identifiers: Orphanet 145, MedGen C2676676, MONDO:0011450, OMIM 604370. Disease mechanism: loss of function.

Submissions (2):

Molecular Endocrinology Laboratory, Christian Medical College
Classification: Pathogenic for Breast-ovarian cancer, familial, susceptibility to, 1. Review status: criteria provided, single submitter. Criteria: ACMG Guidelines, 2015. Collection method: clinical testing. Allele origin: germline. Affected: yes.

Brotman Baty Institute, University of Washington
No classification provided (evidence only). Condition: Breast-ovarian cancer, familial 1. Review status: no classification provided. Collection method: in vitro. Allele origin: not applicable. Functional consequence: functionally_abnormal. Not counted in ClinVar's aggregate classification.
ClinVar note: "not provided" was previously submitted as the classification for the variant. However, the classification appeared to be based only on an observation of functional data so it was converted to no classification on 2025-07-30.

Literature cited by the submitters: PubMed 30209399 (cited by Molecular Endocrinology Laboratory, Christian Medical College).